The following is an entry in ClinVar:

ClinVar aggregate classification (germline): Uncertain significance (1 of 4 stars; one submission).

Conditions:
Dilated cardiomyopathy 1W (CMD1W). Identifiers: Orphanet 154, MedGen C1969639, MONDO:0012667, OMIM 611407.

Submission:

Labcorp Genetics (formerly Invitae), Labcorp
Classification: Uncertain significance for Dilated cardiomyopathy 1W. Last evaluated: 2025-12-03. Review status: criteria provided, single submitter. Criteria: Invitae Variant Classification Sherloc (09022015). Collection method: clinical testing. Allele origin: germline.
Comment: This sequence change replaces alanine, which is neutral and non-polar, with proline, which is neutral and non-polar, at codon 390 of the VCL protein (p.Ala390Pro). This variant is not present in population databases (gnomAD no frequency). This variant has not been reported in the literature in individuals affected with VCL-related conditions. An algorithm developed to predict the effect of missense changes on protein structure and function (PolyPhen-2) suggests that this variant is likely to be disruptive. In summary, the available evidence is currently insufficient to determine the role of this variant in disease. Therefore, it has been classified as a Variant of Uncertain Significance.

NM_014000.3(VCL):c.1168G>C (p.Ala390Pro)

Gene: VCL (vinculin; plus strand). Cytogenetic location: 10q22.2.
Variant type: single nucleotide variant.
Coding change: c.1168G>C on transcript NM_014000.3 (MANE Select); coding-DNA position 1168, G replaced by C.
Protein change: p.Ala390Pro; replaces alanine 390 with proline.
Molecular consequence: missense variant.
Genome position (GRCh38, 1-based): chr10:74,089,341, G>C. VCF-style: chr10-74089341-G-C. GRCh37 (hg19) VCF-style: chr10-75849099-G-C.
Other names: c.1168G>C, p.Ala390Pro (NM_003373.4); short protein forms A390P.
Identifiers: ClinVar variation 4703018 (VCV004703018.1).